The following is an entry in ClinVar:

NM_000138.5(FBN1):c.1951del (p.Val651fs)

Gene: FBN1 (fibrillin 1; minus strand). Cytogenetic location: 15q21.1.
Variant type: Deletion.
Coding change: c.1951del on transcript NM_000138.5 (MANE Select); coding-DNA position 1951, one base deleted (G; older notation c.1951delG).
Protein change: p.Val651fs; shifts the reading frame from valine 651.
Molecular consequence: frameshift variant.
Genome position (GRCh38, 1-based): chr15:48,505,034, C deleted on the plus strand (G on the coding strand, the reverse complement: FBN1 is on the minus strand). VCF-style (leftmost placement, unchanged base first): chr15-48505033-AC-A. GRCh37 (hg19) VCF-style: chr15-48797230-AC-A.
Other names: p.Val651Cysfs*67; c.1951delG, p.Val651Cysfs (NM_000138.4); c.1951del, p.Val651fs (NM_001406716.1); short protein forms V651fs.
Identifiers: ClinVar variation 3381128 (VCV003381128.1).

ClinVar aggregate classification (germline): Likely pathogenic (1 of 4 stars; one submission).

Submission:

Mayo Clinic Laboratories, Mayo Clinic
Classification: Likely pathogenic. Last evaluated: 2023-07-12. Review status: criteria provided, single submitter. Criteria: ACMG Guidelines, 2015. Collection method: clinical testing. Allele origin: germline. Observed: 1 variant allele.
Comment: PM2, PVS1